The following is an entry in ClinVar:

ClinVar aggregate classification (germline): Benign/Likely benign. Review status: criteria provided, multiple submitters, no conflicts (2 of 4 stars). 3 submissions from 3 submitters: Benign (2); Likely benign (1). Last evaluated 2026-02-02.

Conditions:
Immunodeficiency 64. Also called: IMMUNODEFICIENCY 64 WITH LYMPHOPROLIFERATION. Identifiers: Orphanet 664699, MedGen C5231402, MONDO:0032803, OMIM 618534.

Allele frequency attached by ClinVar (database versions not stated): gnomAD 0.01127 and 0.01166; TOPMed 0.01135; 1000 Genomes Project 0.00579; ESP Exome Variant Server 0.01191; gnomAD exomes 0.00906 and 0.01557; 1000 Genomes Project 30x 0.00609; ExAC 0.01199.
gnomAD v4.1: 24,258 of 1,607,194 alleles (1.5%); highest among the groups gnomAD compares: Non-Finnish European, 1.9%; 231 homozygotes.

Submissions (3):

Labcorp Genetics (formerly Invitae), Labcorp
Classification: Benign. Last evaluated: 2026-02-02. Review status: criteria provided, single submitter. Criteria: Invitae Variant Classification Sherloc (09022015). Collection method: clinical testing. Allele origin: germline.

Mayo Clinic Laboratories, Mayo Clinic
Classification: Benign. Last evaluated: 2023-12-28. Review status: criteria provided, single submitter. Criteria: ACMG Guidelines, 2015. Collection method: clinical testing. Allele origin: germline. Observed: 4 variant alleles.
Comment: BS1, BS2, BP4, BP7

Fulgent Genetics
Classification: Likely benign for Immunodeficiency 64. Last evaluated: 2022-02-07. Review status: criteria provided, single submitter. Criteria: ACMG Guidelines, 2015. Collection method: clinical testing. Allele origin: unknown.

NM_005739.4(RASGRP1):c.429C>T (p.Asp143=)

Gene: RASGRP1 (RAS guanyl releasing protein 1; minus strand). Cytogenetic location: 15q14.
Variant type: single nucleotide variant.
Coding change: c.429C>T on transcript NM_005739.4 (MANE Select); coding-DNA position 429, C replaced by T.
Protein change: p.Asp143=; no amino-acid change (aspartic acid 143 retained).
Molecular consequence: synonymous variant.
Genome position (GRCh38, 1-based): chr15:38,518,384, G>A on the plus strand (C>T on the coding strand, the complement: RASGRP1 is on the minus strand). VCF-style: chr15-38518384-G-A. GRCh37 (hg19) VCF-style: chr15-38810585-G-A.
Other names: p.Asp143=; c.429C>T, p.Asp143= (NM_001128602.2, NM_001306086.2).
Identifiers: ClinVar variation 1169063 (VCV001169063.11), dbSNP rs56366451, ClinGen allele CA7471116.